The following is an entry in ClinVar:

NM_000186.4(CFH):c.1998G>T (p.Lys666Asn)

Gene: CFH (complement factor H; plus strand). Cytogenetic location: 1q31.3.
Variant type: single nucleotide variant.
Coding change: c.1998G>T on transcript NM_000186.4 (MANE Select); coding-DNA position 1998, G replaced by T.
Protein change: p.Lys666Asn; replaces lysine 666 with asparagine.
Molecular consequence: missense variant.
Genome position (GRCh38, 1-based): chr1:196,726,594, G>T. VCF-style: chr1-196726594-G-T. GRCh37 (hg19) VCF-style: chr1-196695724-G-T.
Other names: p.Lys666Asn; short protein forms K666N.
Identifiers: ClinVar variation 1519942 (VCV001519942.11), dbSNP rs752859825, ClinGen allele CA1305543.
Genomic context (GRCh38, chr1:196,726,594, plus strand): 5'-AGAAGAATATGGACACAGTGAAGTGGTGGAATATTATTGCAATCCTAGATTTCTAATGAA[G>T]GGACCTAATAAAATTCAATGTGTTGATGGAGAGTGGACAACTTTACCAGTGTGTATTGGT-3'
Protein context (NP_000177.2, residues 656-676): EYYCNPRFLM[Lys666Asn]GPNKIQCVDG

ClinVar aggregate classification (germline): Uncertain significance. Review status: criteria provided, multiple submitters, no conflicts (2 of 4 stars). 9 submissions from 6 submitters: Uncertain significance (9). Last evaluated 2025-10-21.

Conditions:
Basal laminar drusen. Also called: DRUSEN OF BRUCH MEMBRANE; DRUSEN, CUTICULAR; DRUSEN, EARLY ADULT-ONSET, GROUPED. Identifiers: Orphanet 75376, MedGen C0730295, MONDO:0007472, OMIM 126700.
Factor H deficiency (CFHD). Also called: COMPLEMENT FACTOR H DEFICIENCY; CFH DEFICIENCY. Identifiers: Orphanet 200421, MedGen C0398777, MONDO:0012350, OMIM 609814.
Hemolytic uremic syndrome, atypical, susceptibility to, 1. Also called: AHUS, SUSCEPTIBILITY TO, 1. Identifiers: Orphanet 2134, Orphanet 90038, MedGen C2749604, MONDO:0009335, OMIM 235400. Disease mechanism: Other.
Age related macular degeneration 4. Identifiers: MedGen C1853147, MONDO:0012540, OMIM 610698.
Atypical hemolytic-uremic syndrome. Identifiers: Orphanet 2134, MedGen C2931788, MONDO:0016244.

Allele frequency attached by ClinVar (database versions not stated): gnomAD exomes below 0.00001 and 0.00002; ExAC 0.00001; TOPMed 0.00002; gnomAD 0.00004.
gnomAD v4.1: 35 of 1,612,340 alleles (0.0022%); highest among the groups gnomAD compares: Non-Finnish European, 0.0029%; no homozygotes.

Submissions (9):

Labcorp Genetics (formerly Invitae), Labcorp
Classification: Uncertain significance. Last evaluated: 2025-10-21. Review status: criteria provided, single submitter. Criteria: Invitae Variant Classification Sherloc (09022015). Collection method: clinical testing. Allele origin: germline.
Comment: This sequence change replaces lysine, which is basic and polar, with asparagine, which is neutral and polar, at codon 666 of the CFH protein (p.Lys666Asn). This variant is present in population databases (rs752859825, gnomAD 0.005%). This variant has not been reported in the literature in individuals affected with CFH-related conditions. ClinVar contains an entry for this variant (Variation ID: 1519942). An algorithm developed to predict the effect of missense changes on protein structure and function (PolyPhen-2) suggests that this variant is likely to be disruptive. In summary, the available evidence is currently insufficient to determine the role of this variant in disease. Therefore, it has been classified as a Variant of Uncertain Significance.

Genomenon, Inc
Classification: Uncertain significance for Basal laminar drusen; Age related macular degeneration 4; Atypical hemolytic-uremic syndrome; Factor H deficiency. Last evaluated: 2025-10-02. Review status: criteria provided, single submitter. Criteria: Genomenon Sequence Variant Interpretation Standards - Updated. Collection method: curation. Allele origin: germline. Affected: no.
Comment: CFH p.Lys666Asn (c.1998G>T) is a missense variant that changes the amino acid at residue 666 from Lysine to Asparagine. This variant has been reported in the published literature (PMID:27905547;27939104). It is absent or not present at a significant frequency in gnomAD. In silico models agree that this variant is not damaging. In conclusion, we classify CFH p.Lys666Asn (c.1998G>T) as a variant of uncertain significance.

Mayo Clinic Laboratories, Mayo Clinic
Classification: Uncertain significance. Last evaluated: 2025-04-21. Review status: criteria provided, single submitter. Criteria: ACMG Guidelines, 2015. Collection method: clinical testing. Allele origin: germline. Observed: 1 variant allele.
Comment: BP4

Women's Health and Genetics/Laboratory Corporation of America, LabCorp
Classification: Uncertain significance. Last evaluated: 2024-09-17. Review status: criteria provided, single submitter. Criteria: LabCorp Variant Classification Summary - May 2015. Collection method: clinical testing. Allele origin: germline.
Comment: Variant summary: CFH c.1998G>T (p.Lys666Asn) results in a non-conservative amino acid change located in the Sushi/SCR/CCP domain (IPR000436) of the encoded protein sequence. Three of five in-silico tools predict a damaging effect of the variant on protein function. The variant allele was found at a frequency of 4e-06 in 250758 control chromosomes. The available data on variant occurrences in the general population are insufficient to allow any conclusion about variant significance. c.1998G>T has been reported in the literature in unspecified individual(s) affected with age-related macular degeneration, without sufficient information to analysis (Geerlings_2017). These report(s) do not provide unequivocal conclusions about association of the variant with CFH-Related Disorders. To our knowledge, no experimental evidence demonstrating an impact on protein function has been reported. The following publication has been ascertained in the context of this evaluation (PMID: 27939104). ClinVar contains an entry for this variant (Variation ID: 1519942). Based on the evidence outlined above, the variant was classified as uncertain significance.

Genome-Nilou Lab
Classification: Uncertain significance for Hemolytic uremic syndrome, atypical, susceptibility to, 1. Last evaluated: 2023-04-11. Review status: criteria provided, single submitter. Criteria: ACMG Guidelines, 2015. Collection method: clinical testing. Allele origin: germline. Affected: no.

Genome-Nilou Lab
Classification: Uncertain significance for Age related macular degeneration 4. Last evaluated: 2023-04-11. Review status: criteria provided, single submitter. Criteria: ACMG Guidelines, 2015. Collection method: clinical testing. Allele origin: germline. Affected: no.

Genome-Nilou Lab
Classification: Uncertain significance for Basal laminar drusen. Last evaluated: 2023-04-11. Review status: criteria provided, single submitter. Criteria: ACMG Guidelines, 2015. Collection method: clinical testing. Allele origin: germline. Affected: no.

Genome-Nilou Lab
Classification: Uncertain significance for Factor H deficiency. Last evaluated: 2023-04-11. Review status: criteria provided, single submitter. Criteria: ACMG Guidelines, 2015. Collection method: clinical testing. Allele origin: germline. Affected: no.

Fulgent Genetics
Classification: Uncertain significance for Basal laminar drusen; Hemolytic uremic syndrome, atypical, susceptibility to, 1; Factor H deficiency; Age related macular degeneration 4. Last evaluated: 2021-08-03. Review status: criteria provided, single submitter. Criteria: ACMG Guidelines, 2015. Collection method: clinical testing. Allele origin: unknown.

Literature cited by the submitters: PubMed 27905547 (cited by Genomenon, Inc); PubMed 27939104 (cited by 3 submitters).